The following is an entry in ClinVar:

ClinVar aggregate classification (germline): Pathogenic (1 of 4 stars; one submission).

Conditions:
Lowe syndrome (OCRL). Also called: LOWE OCULOCEREBRORENAL SYNDROME; PHOSPHATIDYLINOSITOL 4,5-BISPHOSPHATE 5-PHOSPHATASE DEFICIENCY; Oculocerebrorenal Syndrome. Identifiers: Orphanet 534, MedGen C0028860, MONDO:0010645, OMIM 309000.

Submission:

Medical Genetics Laboratory, Niloo Shiraz Laboratory
Classification: Pathogenic for Lowe syndrome. Review status: criteria provided, single submitter. Criteria: ACMG Guidelines, 2015. Collection method: clinical testing. Allele origin: germline. Inheritance: X-linked recessive inheritance. Affected: yes.
Comment: This mutation is absent from both the local population database (NILOO-EXOME) and gnomAD. The variant is predicted to cause a premature stop codon, leading to a truncated protein. Based on these data, we classified this mutation as pathogenic

NM_000276.4(OCRL):c.2078del (p.Pro693fs)

Gene: OCRL (OCRL inositol polyphosphate-5-phosphatase; plus strand). Cytogenetic location: Xq26.1.
Variant type: Deletion.
Coding change: c.2078del on transcript NM_000276.4 (MANE Select); coding-DNA position 2078, one base deleted (C; older notation c.2078delC).
Protein change: p.Pro693fs; shifts the reading frame from proline 693.
Molecular consequence: frameshift variant.
Genome position (GRCh38, 1-based): chrX:129,576,515, C deleted; the last of 2 consecutive C bases (chrX:129,576,514-129,576,515); deleting either gives the same sequence. VCF-style (leftmost placement, unchanged base first): chrX-129576513-AC-A. GRCh37 (hg19) VCF-style: chrX-128710490-AC-A.
Other names: c.2081del, p.Pro694fs (NM_001318784.2); c.2078del, p.Pro693fs (NM_001587.4); short protein forms P693fs, P694fs.
Identifiers: ClinVar variation 4277330 (VCV004277330.1).